The following continues an entry in ClinVar:

NM_000203.5(IDUA):c.208C>T (p.Gln70Ter)

ClinVar aggregate classification (germline): Pathogenic. Pathogenic (1).

Submissions 12 to 21 of 37:

Johns Hopkins Genomics, Johns Hopkins University
Classification: Pathogenic for Mucopolysaccharidosis. Last evaluated: 2023-08-06. Review status: criteria provided, single submitter. Criteria: ACMG Guidelines, 2015. Collection method: clinical testing. Allele origin: germline. Not counted in ClinVar's aggregate classification.
Comment: This IDUA variant has been reported in several unrelated individuals with mucopolysaccharidosis type 1, either in the homozygous or compound heterozygous state. The variant (rs121965020) is rare (<0.1%) in a large population dataset (gnomAD v2.1.1: 137/274830 total alleles; 0.05%; no homozygotes), and has been reported in ClinVar (Variation ID 11909). This nonsense variant results in a premature stop codon in exon 2 of 14, likely leading to nonsense-mediated decay and lack of protein production, and this is supported by functional studies. We consider c.208C>T in IDUA to be pathogenic.

Clinical Genetics Laboratory, Skane University Hospital Lund
Classification: Pathogenic. Last evaluated: 2022-09-02. Review status: criteria provided, single submitter. Criteria: ACMG Guidelines, 2015. Collection method: clinical testing. Allele origin: germline. Affected: yes. Not counted in ClinVar's aggregate classification.

Institute of Human Genetics, Clinical Exome/Genome Diagnostics Group, University Hospital Bonn
Classification: Pathogenic for Hurler syndrome; Mucopolysaccharidosis, MPS-I-H/S; Mucopolysaccharidosis, MPS-I-S. Last evaluated: 2020-10-21. Review status: criteria provided, single submitter. Criteria: ACMG Guidelines, 2015. Collection method: clinical testing. Allele origin: maternal. Affected: yes. Not counted in ClinVar's aggregate classification.

GeneDx
Classification: Pathogenic. Last evaluated: 2020-03-06. Review status: criteria provided, single submitter. Criteria: GeneDx Variant Classification Process June 2021. Collection method: clinical testing. Allele origin: germline. Affected: yes. Not counted in ClinVar's aggregate classification.
Comment: Nonsense variant predicted to result in protein truncation or nonsense mediated decay in a gene for which loss-of-function is a known mechanism of disease; This variant is associated with the following publications: (PMID: 21831683, 30737479, 29654546, 7951228, 8401515, 24368159, 25525159, 22976768, 24314423, 1301941, 31133280, 23786846, 31980526, 31589614)

Broad Center for Mendelian Genomics, Broad Institute of MIT and Harvard
Classification: Pathogenic for Mucopolysaccharidosis type 1. Last evaluated: 2020-01-13. Review status: criteria provided, single submitter. Criteria: ACMG Guidelines, 2015. Collection method: curation. Allele origin: germline. Inheritance: Autosomal recessive inheritance. Not counted in ClinVar's aggregate classification.
Comment: The p.Gln70Ter variant has been reported in at least 22 individuals with mucopolysaccharidosis (MPS) (PMID: 28752568) and has been identified in Identified in 0.194% (48/24766) of European (Finnish) chromosomes, 0.069% (85/122916) of European (non-Finnish) chromosomes, and 0.069% (4/14378) of African chromosomes by the Genome Aggregation Database (gnomAD; dbSNP s121965020). Although this variant has been seen in the general population, its frequency is not high enough to rule out a pathogenic role. This variant has also been reported in ClinVar (VariationID: 11909) as pathogenic by 10 submitters. In vitro functional studies provide some evidence that the p.Gln70Ter variant may impact protein function (PMID: 11159948). However, these types of assays may not accurately represent biological function. This nonsense variant leads to a premature termination codon at position 70, which is predicted to lead to a truncated or absent protein. Loss of function of the IDUA gene is an established disease mechanism in autosomal recessive MPS. The presence of this variant in combination with a reported pathogenic variant and in 20 individuals with MPS increases the likelihood that the p.Gln70Ter variant is pathogenic (VariationID: 11908, 222996; PMID: 28752568). The phenotype of individuals compound heterozygous for this variant is highly specific for MPS based on enzyme activity being less than 1% of normal consistent with disease (PMID: 28752568). In summary, this variant meets criteria to be classified as pathogenic for MPS in an autosomal recessive manner based on the prediction that it will cause loss of function, the presence of the variant in combination with other pathogenic variants, and functional studies. ACMG/AMP Criteria applied: PVS1, PM3_very-strong, PS3, PP4 (Richards 2015).

Myriad Genetics, Inc.
Classification: Pathogenic for Hurler syndrome. Last evaluated: 2019-11-12. Review status: criteria provided, single submitter. Criteria: Myriad Women's Health Autosomal Recessive and X-Linked Classification Criteria (2019). Collection method: clinical testing. Allele origin: unknown. Not counted in ClinVar's aggregate classification.
Comment: NM_000203.3(IDUA):c.208C>T(Q70*) is classified as pathogenic in the context of mucopolysaccharidosis type I. Sources cited for classification include the following: PMID 21394825, 19396826, 10215409 and 23786846. Classification of NM_000203.3(IDUA):c.208C>T(Q70*) is based on the following criteria: The variant causes a premature termination codon that is expected to be targeted by nonsense-mediated mRNA decay and is reported in individuals with the relevant phenotype. Please note: this variant was assessed in the context of healthy population screening.

Genomic Medicine Lab, University of California San Francisco
Classification: Pathogenic for Hurler syndrome. Last evaluated: 2019-10-24. Review status: criteria provided, single submitter. Criteria: ACMG Guidelines, 2015. Collection method: clinical testing. Allele origin: germline. Inheritance: Autosomal recessive inheritance. Affected: yes. Study: CSER-P3EGS. Not counted in ClinVar's aggregate classification.

Baylor Genetics
Classification: Pathogenic for Mucopolysaccharidosis, MPS-I-S. Last evaluated: 2019-06-12. Review status: criteria provided, single submitter. Criteria: ACMG Guidelines, 2015. Collection method: clinical testing. Allele origin: unknown. Affected: yes. Not counted in ClinVar's aggregate classification.
Comment: This variant was determined to be pathogenic according to ACMG Guidelines, 2015 [PMID:25741868].

Broad Center for Mendelian Genomics, Broad Institute of MIT and Harvard
Classification: Pathogenic for Mucopolysaccharidosis, MPS-I-H/S. Last evaluated: 2018-12-03. Review status: criteria provided, single submitter. Criteria: ACMG Guidelines, 2015. Collection method: research. Allele origin: germline. Inheritance: Autosomal recessive inheritance. Affected: yes. Not counted in ClinVar's aggregate classification.
Comment: The presence of this variant in combination with a likely pathogenic variant and in an individual with Hurler-Scheie syndrome increases the likelihood that the p.Gln70Ter variant is pathogenic. This variant has been identified in 0.05257% (142/270128) of chromosomes by the Genome Aggregation Database (gnomAD; dbSNP rs121965020). Although this variant has been seen in the general population, its frequency is low enough to be consistent with a recessive carrier frequency. This variant is a well-known pathogenic variant in Europeans with Hurler-Scheie syndrome that was reported in the homozygous and heterozygous state (32/200 alleles) of individuals with Hurler-Scheie syndrome from two cohorts (PMID: 22976768, 29393969, 11735025). This variant has also been reported pathogenic in ClinVar (Variation ID: 11909). This nonsense variant leads to a premature termination codon at position 70, which is predicted to lead to a truncated or absent protein. Loss of function of the IDUA gene is an established disease mechanism in autosomal recessive Hurler-Scheie syndrome, and this is a loss of function variant. In summary, this variant meets criteria to be classified as pathogenic for Hurler Scheie syndrome in an autosomal recessive manner based on the predicted impact of the variant and multiple occurrences in European individuals with Hurler Scheie syndrome. ACMG/AMP Criteria applied: PM2, PVS1, PM3 (Richards 2015).

Illumina Laboratory Services, Illumina
Classification: Pathogenic for Mucopolysaccharidosis type I. Last evaluated: 2017-04-27. Review status: criteria provided, single submitter. Criteria: ICSL Variant Classification Criteria 09 May 2019. Collection method: clinical testing. Allele origin: germline. Not counted in ClinVar's aggregate classification.
Comment: The IDUA c.208C>T (p.Gln70Ter) variant is a stop gained variant that is well described in the literature as a common pathogenic variant for mucopolysaccharidosis type I, estimated to account for ten to thirty-five percent of disease alleles in different European populations. The variant is usually associated with a severe phenotype. In a sample of eight studies involving a total of 280 individuals, the p.Gln70Ter variant was found in 17 affected individuals in a homozygous state, 26 individuals in a compound heterozygous state, and in five individuals in a heterozygous state (Scott et al. 1992; Clarke et al. 1993; Bunge et al. 1994; Gort et al. 1998; Beesley et al. 2001; Vazna et al. 2009; Pollard et al. 2013; Oussoren et al. 2013). The variant was absent from 140 control alleles but is reported at a frequency of 0.00325 in the European (Finnish) population from the Exome Aggregation Consortium. Several studies reported that there was either no or very low residual enzyme activity in all individual samples (Scott et al. 1992; Vazna et al. 2009; Oussoren et al. 2013). Oussoren et al. (2013) demonstrated that individuals who were homozygous or compound heterozygous for the p.Gln70Ter variant showed residual IDUA activity of 0.1% and 0.2% of control activity, respectively. An immunochemical assay found no detectable protein in cell lines derived from individuals who were homozygous or compound heterozygous for the variant (Scott et al. 1992). Based on the collective evidence, the p.Gln70Ter variant is classified as pathogenic for mucopolysaccharidosis type I. This variant was observed by ICSL as part of a predisposition screen in an ostensibly healthy population.